The following is an entry in ClinVar:

ClinVar aggregate classification (germline): Likely benign (1 of 4 stars; one submission).

Allele frequency attached by ClinVar (database versions not stated): gnomAD 0.01035 and 0.01110; 1000 Genomes Project 0.00938; 1000 Genomes Project 30x 0.01109; TOPMed 0.01166.
gnomAD v4.1: 1,556 of 152,168 alleles (1%); highest among the groups gnomAD compares: African/African-American, 3.6%; 28 homozygotes.

Submissions (2):

GeneDx
Classification: Likely benign. Last evaluated: 2018-06-14. Review status: criteria provided, single submitter. Criteria: GeneDx Variant Classification (06012015). Collection method: clinical testing. Allele origin: germline. Affected: yes.
Comment: This variant is considered likely benign or benign based on one or more of the following criteria: it is a conservative change, it occurs at a poorly conserved position in the protein, it is predicted to be benign by multiple in silico algorithms, and/or has population frequency not consistent with disease.

Dr. Peter K. Rogan Lab, Western University
No classification provided (evidence only). Condition: Uterine corpus endometrial carcinoma. Review status: no classification provided. Collection method: in vitro. Allele origin: not applicable. Functional consequence: retained intron. Not counted in ClinVar's aggregate classification.

NM_000834.5(GRIN2B):c.411+293C>T

Gene: GRIN2B (glutamate ionotropic receptor NMDA type subunit 2B; minus strand). Cytogenetic location: 12p13.1.
Variant type: single nucleotide variant.
Coding change: c.411+293C>T on transcript NM_000834.5 (MANE Select); 293 bases into the intron after coding-DNA position 411, C replaced by T.
Molecular consequence: intron variant.
Genome position (GRCh38, 1-based): chr12:13,865,505, G>A on the plus strand (C>T on the coding strand, the complement: GRIN2B is on the minus strand). VCF-style: chr12-13865505-G-A. GRCh37 (hg19) VCF-style: chr12-14018439-G-A.
Other names: NC_000012.11:g.14018439G>A.
Identifiers: ClinVar variation 672351 (VCV000672351.2), dbSNP rs140139395, ClinGen allele CA233147955.